The following is an entry in ClinVar:

ClinVar aggregate classification (germline): Uncertain significance (1 of 4 stars; one submission).

Conditions:
Charcot-Marie-Tooth disease axonal type 2V. Also called: CHARCOT-MARIE-TOOTH NEUROPATHY, TYPE 2V; CHARCOT-MARIE-TOOTH DISEASE, AXONAL, AUTOSOMAL DOMINANT, TYPE 2V. Identifiers: Orphanet 447964, MedGen C5569050, MONDO:0014665, OMIM 616491.
Mucopolysaccharidosis, MPS-III-B (MPS3B). Also called: N-ACETYL-ALPHA-D-GLUCOSAMINIDASE DEFICIENCY; NAGLU DEFICIENCY; SANFILIPPO SYNDROME B; MPS III B; MUCOPOLYSACCHARIDOSIS, TYPE IIIB; MPS IIIB (Sanfilippo Syndrome Type B). Identifiers: Orphanet 79270, MedGen C0086648, MONDO:0009656, OMIM 252920.

Allele frequency attached by ClinVar (database versions not stated): gnomAD 0.00001; TOPMed below 0.00001; ExAC 0.00001.
gnomAD v4.1: 5 of 1,613,282 alleles (0.00031%); highest among the groups gnomAD compares: Admixed American, 0.005%; no homozygotes.

Submission:

Labcorp Genetics (formerly Invitae), Labcorp
Classification: Uncertain significance for Charcot-Marie-Tooth disease axonal type 2V; Mucopolysaccharidosis, MPS-III-B. Last evaluated: 2022-09-27. Review status: criteria provided, single submitter. Criteria: Invitae Variant Classification Sherloc (09022015). Collection method: clinical testing. Allele origin: germline.
Comment: This sequence change replaces alanine, which is neutral and non-polar, with threonine, which is neutral and polar, at codon 329 of the NAGLU protein (p.Ala329Thr). This variant is present in population databases (rs765774149, gnomAD 0.006%). This variant has not been reported in the literature in individuals affected with NAGLU-related conditions. Algorithms developed to predict the effect of missense changes on protein structure and function (SIFT, PolyPhen-2, Align-GVGD) all suggest that this variant is likely to be tolerated. Experimental studies are conflicting or provide insufficient evidence to determine the effect of this variant on NAGLU function (PMID: 29979746). In summary, the available evidence is currently insufficient to determine the role of this variant in disease. Therefore, it has been classified as a Variant of Uncertain Significance.

Literature cited by the submitters: PubMed 29979746.

NM_000263.4(NAGLU):c.985G>A (p.Ala329Thr)

Gene: NAGLU (N-acetyl-alpha-glucosaminidase; plus strand). Cytogenetic location: 17q21.2.
Variant type: single nucleotide variant.
Coding change: c.985G>A on transcript NM_000263.4 (MANE Select); coding-DNA position 985, G replaced by A.
Protein change: p.Ala329Thr; replaces alanine 329 with threonine.
Molecular consequence: missense variant.
Genome position (GRCh38, 1-based): chr17:42,541,170, G>A. VCF-style: chr17-42541170-G-A. GRCh37 (hg19) VCF-style: chr17-40693188-G-A.
Other names: short protein forms A329T.
Identifiers: ClinVar variation 2155674 (VCV002155674.1), dbSNP rs765774149, ClinGen allele CA8576909.